The following is an entry in ClinVar:

ClinVar aggregate classification (germline): Uncertain significance (1 of 4 stars; one submission).

Conditions:
Dyskeratosis congenita. Identifiers: Orphanet 1775, MedGen C0265965, MONDO:0015780.

Allele frequency attached by ClinVar (database versions not stated): gnomAD exomes below 0.00001.

Submission:

Labcorp Genetics (formerly Invitae), Labcorp
Classification: Uncertain significance for Dyskeratosis congenita. Last evaluated: 2021-06-22. Review status: criteria provided, single submitter. Criteria: Invitae Variant Classification Sherloc (09022015). Collection method: clinical testing. Allele origin: germline.
Comment: This sequence change replaces leucine with isoleucine at codon 366 of the TINF2 protein (p.Leu366Ile). The leucine residue is moderately conserved and there is a small physicochemical difference between leucine and isoleucine. In summary, the available evidence is currently insufficient to determine the role of this variant in disease. Therefore, it has been classified as a Variant of Uncertain Significance. Algorithms developed to predict the effect of missense changes on protein structure and function are either unavailable or do not agree on the potential impact of this missense change (SIFT: "Tolerated"; PolyPhen-2: "Possibly Damaging"; Align-GVGD: "Class C0"). This variant has not been reported in the literature in individuals with TINF2-related conditions. This variant is not present in population databases (ExAC no frequency).

NM_001099274.3(TINF2):c.1096C>A (p.Leu366Ile)

Gene: TINF2 (TERF1 interacting nuclear factor 2; minus strand). Cytogenetic location: 14q12.
Variant type: single nucleotide variant.
Coding change: c.1096C>A on transcript NM_001099274.3 (MANE Select); coding-DNA position 1096, C replaced by A.
Protein change: p.Leu366Ile; replaces leucine 366 with isoleucine.
Molecular consequence: missense variant. On other transcripts: 3 prime UTR variant (1).
Genome position (GRCh38, 1-based): chr14:24,240,296, G>T on the plus strand (C>A on the coding strand, the complement: TINF2 is on the minus strand). VCF-style: chr14-24240296-G-T. GRCh37 (hg19) VCF-style: chr14-24709502-G-T.
Other names: c.991C>A, p.Leu331Ile (NM_001363668.2); c.*119C>A (NM_012461.3); short protein forms L331I, L366I.
Identifiers: ClinVar variation 1431330 (VCV001431330.8), dbSNP rs2138996481, ClinGen allele CA389222759.
Genomic context (GRCh38, chr14:24,240,296, plus strand): 5'-GATCCAATCCTGACTCAGACTACCTACCTGGCTTCCTGGCCCTAGGAGGTAATAATGATA[G>T]TCTCAGGGGGTCCATGTAGCAATCCAAGCAATTCCTGAGGTGAGAGCAAGCAAAGAGGAT-3'
Protein context (NP_001092744.1, residues 356-376): CLDCYMDPLR[Leu366Ile]SLLPPRARKP